The following is an entry in ClinVar:

NM_001655.5(ARCN1):c.[707del;711del]

Variant type: Haplotype.
Identifiers: ClinVar variation 4813476 (VCV004813476.1).

ClinVar aggregate classification (germline): Likely pathogenic (1 of 4 stars; one submission).

Conditions:
Short stature, rhizomelic, with microcephaly, micrognathia, and developmental delay (SSMG). Also called: SHORT STATURE-MICROGNATHIA SYNDROME. Identifiers: Orphanet 659702, MedGen C4310686, MONDO:0014948, OMIM 617164.

Submission:

MVZ Praenatalmedizin und Genetik Nuernberg
Classification: Likely pathogenic for Short stature, rhizomelic, with microcephaly, micrognathia, and developmental delay. Last evaluated: 2024-08-08. Review status: criteria provided, single submitter. Criteria: ACMG Guidelines, 2015. Collection method: clinical testing. Allele origin: germline. Affected: yes.
Comment: Together, this constellation (c.[707del;711del]; alternative nomenclature: c.707_711delinsTAA) leads to a shift in the reading frame and, consequently, probably to premature degradation of the mRNA (nonsense-mediated decay, NMD) or to premature truncation of the protein (p.(Asp236Valfs*9; loss of over 270 of the 511 amino acids). The changes are not stored individually or in combination in the population-based database gnomAD (v.2, v.4). For the single variant c.711del, which leads to a similar frameshift (p.(Phe238Leufs*5)), there is a pathogenic entry in ClinVar (Invitae, 2023). However, the frameshift combination detected here (p.(Asp236Valfs*9), has not yet been annotated in ClinVar nor described in the literature. Downstream, other truncating ARCN1 variants are annotated as pathogenic, so loss-of-function is a typical pathomechanism. In summary, based on the current data, we believe that this is a likely pathogenic change.